The following is an entry in ClinVar:

ClinVar aggregate classification (germline): Uncertain significance (1 of 4 stars; one submission).

Submission:

Ambry Genetics
Classification: Uncertain significance. Last evaluated: 2025-12-05. Review status: criteria provided, single submitter. Criteria: Ambry Variant Classification Scheme 2023. Collection method: clinical testing. Allele origin: germline.
Comment: The p.K805N variant (also known as c.2415A>T), located in coding exon 1 of the MLH3 gene, results from an A to T substitution at nucleotide position 2415. The lysine at codon 805 is replaced by asparagine, an amino acid with similar properties. This amino acid position is conserved. In addition, this alteration is predicted to be tolerated by in silico analysis. Since supporting evidence is limited at this time, the clinical significance of this alteration remains unclear.

NM_001040108.2(MLH3):c.2415A>T (p.Lys805Asn)

Gene: MLH3 (mutL homolog 3; minus strand). Cytogenetic location: 14q24.3.
Variant type: single nucleotide variant.
Coding change: c.2415A>T on transcript NM_001040108.2 (MANE Select); coding-DNA position 2415, A replaced by T.
Protein change: p.Lys805Asn; replaces lysine 805 with asparagine.
Molecular consequence: missense variant.
Genome position (GRCh38, 1-based): chr14:75,047,241, T>A on the plus strand (A>T on the coding strand, the complement: MLH3 is on the minus strand). VCF-style: chr14-75047241-T-A. GRCh37 (hg19) VCF-style: chr14-75513944-T-A.
Other names: c.2415A>T, p.Lys805Asn (NM_014381.3); short protein forms K805N.
Identifiers: ClinVar variation 2563574 (VCV002563574.3), dbSNP rs1447884112, ClinGen allele CA390440660.
Genomic context (GRCh38, chr14:75,047,241, plus strand): 5'-AAGGATGTGGCTTGCTGGTTGACAACTACTATCTGAATCACTATGCTCCATAGTAGTGAT[T>A]TTACAAACATCAGAGTTCTCTAAGCGGTTCTTGTCCTTCAGCAGAATGTCAGGTTCAACT-3'
Protein context (NP_001035197.1, residues 795-815): KNRLENSDVC[Lys805Asn]ITTMEHSDSD